The following is an entry in ClinVar:

ClinVar aggregate classification (germline): Pathogenic (1 of 4 stars; one submission).

Conditions:
Inborn genetic diseases. Identifiers: MedGen C0950123, MeSH D030342.

Submission:

Ambry Genetics
Classification: Pathogenic for Inborn genetic diseases. Last evaluated: 2023-07-24. Review status: criteria provided, single submitter. Criteria: Ambry Variant Classification Scheme 2023. Collection method: clinical testing. Allele origin: germline.
Comment: The c.2942delT (p.F981Sfs*11) alteration, located in exon 11 (coding exon 10) of the CHD7 gene, consists of a deletion of one nucleotide at position 2942, causing a translational frameshift with a predicted alternate stop codon after 11 amino acids. This alteration is expected to result in loss of function by premature protein truncation or nonsense-mediated mRNA decay. This variant was not reported in population-based cohorts in the Genome Aggregation Database (gnomAD). Based on the available evidence, this alteration is classified as pathogenic.

NM_017780.4(CHD7):c.2942del (p.Phe981fs)

Gene: CHD7 (chromodomain helicase DNA binding protein 7; plus strand). Cytogenetic location: 8q12.2.
Variant type: Deletion.
Coding change: c.2942del on transcript NM_017780.4 (MANE Select); coding-DNA position 2942, one base deleted (T; older notation c.2942delT).
Protein change: p.Phe981fs; shifts the reading frame from phenylalanine 981.
Molecular consequence: frameshift variant. On other transcripts: intron variant (1).
Genome position (GRCh38, 1-based): chr8:60,822,130, T deleted; the last of 4 consecutive T bases (chr8:60,822,127-60,822,130); deleting any one gives the same sequence. VCF-style (leftmost placement, unchanged base first): chr8-60822126-CT-C. GRCh37 (hg19) VCF-style: chr8-61734685-CT-C.
Other names: c.1717-40099del (NM_001316690.1); short protein forms F981fs.
Identifiers: ClinVar variation 2609888 (VCV002609888.2), dbSNP rs2487807706, ClinGen allele CA2582341673.